The following is an entry in ClinVar:

NM_002905.5(RDH5):c.779A>C (p.Asp260Ala)

Genes: BLOC1S1-RDH5 (BLOC1S1-RDH5 readthrough; plus strand), CD63 (CD63 molecule; minus strand), RDH5 (retinol dehydrogenase 5; plus strand). Cytogenetic location: 12q13.2.
Variant type: single nucleotide variant.
Coding change: c.779A>C on transcript NM_002905.5 (MANE Select); coding-DNA position 779, A replaced by C.
Protein change: p.Asp260Ala; replaces aspartic acid 260 with alanine.
Molecular consequence: missense variant. On other transcripts: non-coding transcript variant (1), 3 prime UTR variant (2).
Genome position (GRCh38, 1-based): chr12:55,724,367, A>C. VCF-style: chr12-55724367-A-C. GRCh37 (hg19) VCF-style: chr12-56118151-A-C.
Other names: c.779A>C, p.Asp260Ala (NM_001199771.3); c.*697T>G (NM_001413284.1); c.*712T>G (NM_001413285.1); short protein forms D260A.
Identifiers: ClinVar variation 2103558 (VCV002103558.4), dbSNP rs2136142906, ClinGen allele CA385203143.
Genomic context (GRCh38, chr12:55,724,367, plus strand): 5'-CCTATGGGGCTGCAGACCTGAAAATGCAACAGCGCATCATGAACCTGATCTGTGACCCGG[A>C]CCTAACCAAGGTGAGCCGATGCCTGGAGCATGCCCTGACTGCTCGACACCCCCGAACCCG-3'
Protein context (NP_002896.2, residues 250-270): QRIMNLICDP[Asp260Ala]LTKVSRCLEH

ClinVar aggregate classification (germline): Uncertain significance (1 of 4 stars; one submission).

gnomAD v4.1: 1 of 1,614,170 alleles (0.000062%); no homozygotes.

Submission:

Labcorp Genetics (formerly Invitae), Labcorp
Classification: Uncertain significance. Last evaluated: 2023-10-16. Review status: criteria provided, single submitter. Criteria: Invitae Variant Classification Sherloc (09022015). Collection method: clinical testing. Allele origin: germline.
Comment: This sequence change replaces aspartic acid, which is acidic and polar, with alanine, which is neutral and non-polar, at codon 260 of the RDH5 protein (p.Asp260Ala). This variant is not present in population databases (gnomAD no frequency). This variant has not been reported in the literature in individuals affected with RDH5-related conditions. ClinVar contains an entry for this variant (Variation ID: 2103558). Advanced modeling of protein sequence and biophysical properties (such as structural, functional, and spatial information, amino acid conservation, physicochemical variation, residue mobility, and thermodynamic stability) performed at Invitae indicates that this missense variant is expected to disrupt RDH5 protein function. In summary, the available evidence is currently insufficient to determine the role of this variant in disease. Therefore, it has been classified as a Variant of Uncertain Significance.